The following is an entry in ClinVar:

ClinVar aggregate classification (germline): Uncertain significance. Review status: criteria provided, multiple submitters, no conflicts (2 of 4 stars). 7 submissions from 7 submitters: Uncertain significance (7). Last evaluated 2026-07-08.

Conditions:
Hereditary cancer-predisposing syndrome. Also called: Tumor predisposition; Neoplastic Syndromes, Hereditary; Hereditary Cancer Syndrome; Hereditary neoplastic syndrome. Identifiers: Orphanet 140162, MedGen C0027672, MeSH D009386, MONDO:0015356.
Familial adenomatous polyposis 1 (FAP1). Also called: POLYPOSIS, ADENOMATOUS INTESTINAL; FAMILIAL ADENOMATOUS POLYPOSIS 1, ATTENUATED. Identifiers: MedGen C2713442, MONDO:0021056, OMIM 175100. Disease mechanism: loss of function.

Allele frequency attached by ClinVar (database versions not stated): gnomAD exomes 0.00001.
gnomAD v4.1: 4 of 1,613,894 alleles (0.00025%); highest among the groups gnomAD compares: Non-Finnish European, 0.00034%; no homozygotes.

Submissions (7):

Ambry Genetics
Classification: Uncertain significance for Hereditary cancer-predisposing syndrome. Last evaluated: 2026-07-08. Review status: criteria provided, single submitter. Criteria: Ambry Variant Classification Scheme 2023. Collection method: clinical testing. Allele origin: germline.

Labcorp Genetics (formerly Invitae), Labcorp
Classification: Uncertain significance for Familial adenomatous polyposis 1. Last evaluated: 2025-11-17. Review status: criteria provided, single submitter. Criteria: Invitae Variant Classification Sherloc (09022015). Collection method: clinical testing. Allele origin: germline.
Comment: This sequence change replaces lysine, which is basic and polar, with glutamine, which is neutral and polar, at codon 2553 of the APC protein (p.Lys2553Gln). This variant is not present in population databases (gnomAD no frequency). This variant has not been reported in the literature in individuals affected with APC-related conditions. ClinVar contains an entry for this variant (Variation ID: 216179). Invitae Evidence Modeling of protein sequence and biophysical properties (such as structural, functional, and spatial information, amino acid conservation, physicochemical variation, residue mobility, and thermodynamic stability) indicates that this missense variant is not expected to disrupt APC protein function with a negative predictive value of 95%. In summary, the available evidence is currently insufficient to determine the role of this variant in disease. Therefore, it has been classified as a Variant of Uncertain Significance.

GeneDx
Classification: Uncertain significance. Last evaluated: 2025-03-25. Review status: criteria provided, single submitter. Criteria: GeneDx Variant Classification Process June 2021. Collection method: clinical testing. Allele origin: germline.
Comment: Not observed at significant frequency in large population cohorts (gnomAD); In silico analysis indicates that this missense variant does not alter protein structure/function; Has not been previously published as pathogenic or benign to our knowledge

Color Diagnostics, LLC DBA Color Health
Classification: Uncertain significance for Hereditary cancer-predisposing syndrome. Last evaluated: 2024-03-06. Review status: criteria provided, single submitter. Criteria: ACMG Guidelines, 2015. Collection method: clinical testing. Allele origin: germline.
Comment: This missense variant replaces lysine with glutamine at codon 2553 of the APC protein. Computational prediction is inconclusive regarding the impact of this variant on protein structure and function (internally defined REVEL score threshold 0.5 < inconclusive < 0.7, PMID: 27666373). To our knowledge, functional studies have not been reported for this variant. This variant has not been reported in individuals affected with hereditary cancer in the literature. This variant has not been identified in the general population by the Genome Aggregation Database (gnomAD). The available evidence is insufficient to determine the role of this variant in disease conclusively. Therefore, this variant is classified as a Variant of Uncertain Significance.

Women's Health and Genetics/Laboratory Corporation of America, LabCorp
Classification: Uncertain significance. Last evaluated: 2024-02-25. Review status: criteria provided, single submitter. Criteria: LabCorp Variant Classification Summary - May 2015. Collection method: clinical testing. Allele origin: germline.

Baylor Genetics
Classification: Uncertain significance for Familial adenomatous polyposis 1. Last evaluated: 2023-06-23. Review status: criteria provided, single submitter. Criteria: ACMG Guidelines, 2015. Collection method: clinical testing. Allele origin: unknown.

St. Jude Molecular Pathology, St. Jude Children's Research Hospital
Classification: Uncertain significance for Familial adenomatous polyposis 1. Last evaluated: 2022-10-03. Review status: criteria provided, single submitter. Criteria: St. Jude Assertion Criteria 2020. Collection method: clinical testing. Allele origin: germline.
Comment: The APC c.7657A>C (p.Lys2553Gln) missense change is absent in gnomAD v2.1.1. The in silico tool REVEL is inconclusive about a pathogenic or benign effect of this variant on protein function, and to our knowledge functional studies have not been performed. To our knowledge, this variant has not been reported in individuals with APC-related familial adenomatous polyposis. In summary, the evidence currently available is insufficient to determine the clinical significance of this variant. It has therefore been classified as of uncertain significance.

NM_000038.6(APC):c.7657A>C (p.Lys2553Gln)

Gene: APC (APC regulator of Wnt signaling pathway; plus strand). Cytogenetic location: 5q22.2.
Variant type: single nucleotide variant.
Coding change: c.7657A>C on transcript NM_000038.6 (MANE Select); coding-DNA position 7657, A replaced by C.
Protein change: p.Lys2553Gln; replaces lysine 2553 with glutamine.
Molecular consequence: missense variant.
Genome position (GRCh38, 1-based): chr5:112,843,251, A>C. VCF-style: chr5-112843251-A-C. GRCh37 (hg19) VCF-style: chr5-112178948-A-C.
Other names: c.7657A>C, p.Lys2553Gln (NM_001127510.3, NM_001354895.2); c.7603A>C, p.Lys2535Gln (NM_001127511.3); c.7711A>C, p.Lys2571Gln (NM_001354896.2); c.7687A>C, p.Lys2563Gln (NM_001354897.2); c.7582A>C, p.Lys2528Gln (NM_001354898.2); c.7573A>C, p.Lys2525Gln (NM_001354899.2); c.7534A>C, p.Lys2512Gln (NM_001354900.2); c.7480A>C, p.Lys2494Gln (NM_001354901.2); and 5 more; short protein forms K2535Q, K2553Q, K2427Q, K2462Q, K2494Q, K2528Q, K2270Q, K2393Q.
Identifiers: ClinVar variation 216179 (VCV000216179.23), dbSNP rs772318413, ClinGen allele CA338557.